The following is an entry in ClinVar:

NM_000465.4(BARD1):c.2282G>A (p.Ser761Asn)

Gene: BARD1 (BRCA1 associated RING domain 1; minus strand). Cytogenetic location: 2q35.
Variant type: single nucleotide variant.
Coding change: c.2282G>A on transcript NM_000465.4 (MANE Select); coding-DNA position 2282, G replaced by A.
Protein change: p.Ser761Asn; replaces serine 761 with asparagine.
Molecular consequence: missense variant. On other transcripts: non-coding transcript variant (3).
Genome position (GRCh38, 1-based): chr2:214,728,728, C>T on the plus strand (G>A on the coding strand, the complement: BARD1 is on the minus strand). VCF-style: chr2-214728728-C-T. GRCh37 (hg19) VCF-style: chr2-215593452-C-T.
Other names: p.S761N:AGC>AAC; c.2225G>A, p.Ser742Asn (NM_001282543.2); c.929G>A, p.Ser310Asn (NM_001282545.2); c.872G>A, p.Ser291Asn (NM_001282548.2); c.743G>A, p.Ser248Asn (NM_001282549.2); short protein forms S761N, S310N, S248N, S291N, S742N.
Identifiers: ClinVar variation 127735 (VCV000127735.69), dbSNP rs142155101, ClinGen allele CA287539.

ClinVar aggregate classification (germline): Conflicting classifications of pathogenicity. Review status: criteria provided, conflicting classifications (1 of 4 stars). 25 submissions from 24 submitters: Uncertain significance (5); Benign (8); Likely benign (10). 2 of the submissions do not count toward it. Last evaluated 2026-04-21.

Conditions:
Breast and/or ovarian cancer. Identifiers: MedGen CN221562.
Hereditary cancer. Identifiers: MedGen C1333600.
Hereditary cancer-predisposing syndrome. Also called: Tumor predisposition; Hereditary neoplastic syndrome; Neoplastic Syndromes, Hereditary; Hereditary Cancer Syndrome. Identifiers: Orphanet 140162, MedGen C0027672, MeSH D009386, MONDO:0015356.
Familial cancer of breast. Also called: Hereditary breast cancer; hereditary breast carcinoma; BREAST CANCER, FAMILIAL. Identifiers: Orphanet 227535, MedGen C0346153, MONDO:0016419, OMIM 114480. Disease mechanism: loss of function.
Malignant tumor of breast. Also called: Malignant breast neoplasm; Cancer breast. Identifiers: MedGen C0006142, MONDO:0007254. Disease mechanism: loss of function.

Allele frequency attached by ClinVar (database versions not stated): 1000 Genomes Project 30x 0.00016; 1000 Genomes Project 0.00020; TOPMed 0.00073; gnomAD exomes 0.00109 and 0.00170; ESP Exome Variant Server 0.00146; gnomAD 0.00149 and 0.00153; ExAC 0.00171.
gnomAD v4.1: 1,809 of 1,614,198 alleles (0.11%); highest among the groups gnomAD compares: Non-Finnish European, 0.087%; 3 homozygotes.

Submissions 1 to 21 of 25:

Dasa
Classification: Uncertain significance. Last evaluated: 2026-04-21. Review status: criteria provided, single submitter. Criteria: DASA Assertion Criteria. Collection method: clinical testing. Allele origin: germline.
Comment: NM_000465.4(BARD1):c.2282G>A (p.Ser761Asn) is a missense variant that results in the substitution of serine with asparagine. This variant is rare in population databases. Computational prediction algorithms are consistent with a benign effect. The currently available literature and clinical evidence are not sufficient to establish a definitive association between this variant and the reported condition. Therefore, this variant is classified as a variant of uncertain significance.

CeGaT Center for Human Genetics Tuebingen
Classification: Likely benign. Last evaluated: 2026-03-01. Review status: criteria provided, single submitter. Criteria: CeGaT Center For Human Genetics Tuebingen Variant Classification Criteria Version 2. Collection method: clinical testing. Allele origin: germline. Affected: yes. Observed: 5 variant alleles.
Comment: BARD1: BP4, BS1

Labcorp Genetics (formerly Invitae), Labcorp
Classification: Benign for Familial cancer of breast. Last evaluated: 2026-02-02. Review status: criteria provided, single submitter. Criteria: Invitae Variant Classification Sherloc (09022015). Collection method: clinical testing. Allele origin: germline.

Laboratorio de I+D, Fundación Centro Médico de Asturias
Classification: Likely benign for Hereditary cancer-predisposing syndrome. Last evaluated: 2025-07-08. Review status: criteria provided, single submitter. Criteria: ACMG Guidelines, 2015. Collection method: clinical testing. Allele origin: germline.
Comment: BS1+BP1+BP4

Center for Genomic Medicine, Rigshospitalet, Copenhagen University Hospital
Classification: Likely benign. Last evaluated: 2025-03-04. Review status: criteria provided, single submitter. Criteria: ACMG Guidelines, 2015. Collection method: clinical testing. Allele origin: germline.

Blueprint Genetics
Classification: Likely benign. Last evaluated: 2024-11-08. Review status: criteria provided, single submitter. Criteria: ACMG Guidelines, 2015. Collection method: clinical testing. Allele origin: germline.

CHEO Genetics Diagnostic Laboratory, Children's Hospital of Eastern Ontario
Classification: Likely benign for Breast and/or ovarian cancer. Last evaluated: 2023-05-23. Review status: criteria provided, single submitter. Criteria: ACMG Guidelines, 2015. Collection method: clinical testing. Allele origin: germline.

Myriad Genetics, Inc.
Classification: Benign for Familial cancer of breast. Last evaluated: 2023-02-24. Review status: criteria provided, single submitter. Criteria: Myriad Autosomal Dominant, Autosomal Recessive and X-Linked Classification Criteria (2023). Collection method: clinical testing. Allele origin: unknown.
Comment: This variant is considered benign. This variant has been observed at a population frequency that is significantly greater than expected given the associated disease prevalence and penetrance. This variant is strongly associated with less severe personal and family histories of cancer, typical for individuals without pathogenic variants in this gene [PMID: 25085752].

Quest Diagnostics Nichols Institute San Juan Capistrano
Classification: Benign. Last evaluated: 2022-12-21. Review status: criteria provided, single submitter. Criteria: Quest Diagnostics criteria. Collection method: clinical testing. Allele origin: unknown.

Institute for Biomarker Research, Medical Diagnostic Laboratories, L.L.C.
Classification: Benign for Hereditary cancer-predisposing syndrome. Last evaluated: 2022-10-18. Review status: criteria provided, single submitter. Criteria: ACMG Guidelines, 2015. Collection method: clinical testing. Allele origin: germline.

ARUP Laboratories, Molecular Genetics and Genomics, ARUP Laboratories
Classification: Likely benign for Familial cancer of breast. Last evaluated: 2022-03-09. Review status: criteria provided, single submitter. Criteria: ARUP Molecular Germline Variant Investigation Process 2021. Collection method: clinical testing. Allele origin: germline.

Institute for Clinical Genetics, University Hospital TU Dresden, University Hospital TU Dresden
Classification: Uncertain significance. Last evaluated: 2021-11-03. Review status: criteria provided, single submitter. Criteria: ACMG Guidelines, 2015. Collection method: clinical testing. Allele origin: germline.

Genetic Services Laboratory, University of Chicago
Classification: Benign. Last evaluated: 2020-12-08. Review status: criteria provided, single submitter. Criteria: ACMG Guidelines, 2015. Collection method: clinical testing. Allele origin: germline. Affected: no.

Sema4
Classification: Benign for Hereditary cancer-predisposing syndrome. Last evaluated: 2020-09-09. Review status: criteria provided, single submitter. Criteria: Sema4 Curation Guidelines. Collection method: curation. Allele origin: germline.

Ambry Genetics
Classification: Likely benign for Hereditary cancer-predisposing syndrome. Last evaluated: 2018-10-23. Review status: criteria provided, single submitter. Criteria: Ambry Variant Classification Scheme 2023. Collection method: clinical testing. Allele origin: germline.

GeneKor MSA
Classification: Uncertain significance for Hereditary cancer-predisposing syndrome. Last evaluated: 2018-08-01. Review status: criteria provided, single submitter. Criteria: ACMG Guidelines, 2015. Collection method: clinical testing. Allele origin: germline. Affected: yes.

GeneDx
Classification: Benign. Last evaluated: 2018-03-23. Review status: criteria provided, single submitter. Criteria: GeneDx Variant Classification Process June 2021. Collection method: clinical testing. Allele origin: germline. Affected: yes.
Comment: This variant is associated with the following publications: (PMID: 26787654, 26976419, 11807980, 28335968, 25980754, 18089818, 23056176, 17972171, 25288723, 17848578, 20077502, 16061562, 22006311, 26738429, 26350354, 9798686, 17550235, 9425226, 26898890, 26517685, 31159747)

PreventionGenetics, part of Exact Sciences
Classification: Benign. Last evaluated: 2017-07-11. Review status: criteria provided, single submitter. Criteria: ACMG Guidelines, 2015. Collection method: clinical testing. Allele origin: germline.

Illumina Laboratory Services, Illumina
Classification: Likely benign for Familial cancer of breast. Last evaluated: 2017-04-27. Review status: criteria provided, single submitter. Criteria: ICSL Variant Classification Criteria 13 December 2019. Collection method: clinical testing. Allele origin: germline.
Comment: This variant was observed as part of a predisposition screen in an ostensibly healthy population. A literature search was performed for the gene, cDNA change, and amino acid change (where applicable). Publications were found based on this search. The evidence from the literature, in combination with allele frequency data from public databases where available, was sufficient to determine this variant is unlikely to cause disease. Therefore, this variant is classified as likely benign.

Women's Health and Genetics/Laboratory Corporation of America, LabCorp
Classification: Likely benign. Last evaluated: 2016-10-28. Review status: criteria provided, single submitter. Criteria: LabCorp Variant Classification Summary - May 2015. Collection method: clinical testing. Allele origin: germline.
Comment: Variant summary: The BARD1 c.2282G>A (p.Ser761Asn) variant involves the alteration of a conserved nucleotide. 3/4 in silico tools predict a benign outcome for this variant (SNPs&GO not captured due to low reliability index). This variant was found in 222/129722 control chromosomes (3 homozygotes), predominantly observed in the European (Finnish) subpopulation in ExAC at a frequency of 0.0098366 (65/6608). This frequency is about 45 times the estimated maximal expected allele frequency of a pathogenic BARD1 variant (0.0002188), suggesting this is likely a benign polymorphism found primarily in the populations of European (Finnish) origin. This variant has been reported in affected individuals with comparable MAF as in tested controls. In addition, multiple clinical diagnostic laboratories/reputable databases classified this variant as benign/likely benign, without evidence for independent evaluation. Functional studies showd that variant may lead to defective BARD1 function in growth suppression and apoptosis, however, this variant is shown not to affect the HDR activity. Taken all lines of evidence together, this variant is classified as likely benign until more information becomes available.

Centre for Mendelian Genomics, University Medical Centre Ljubljana
Classification: Uncertain significance for Familial cancer of breast. Last evaluated: 2016-01-01. Review status: criteria provided, single submitter. Criteria: ACMG Guidelines, 2015. Collection method: clinical testing. Allele origin: unknown. Affected: yes.
Comment: This variant was classified as: Uncertain significance.